The following is an entry in ClinVar:

NM_000138.5(FBN1):c.47T>G (p.Leu16Arg)

Genes: FBN1 (fibrillin 1; minus strand), LOC130057019 (ATAC-STARR-seq lymphoblastoid silent region 6417; plus strand). Cytogenetic location: 15q21.1.
Variant type: single nucleotide variant.
Coding change: c.47T>G on transcript NM_000138.5 (MANE Select); coding-DNA position 47, T replaced by G.
Protein change: p.Leu16Arg; replaces leucine 16 with arginine.
Molecular consequence: missense variant.
Genome position (GRCh38, 1-based): chr15:48,644,723, A>C on the plus strand (T>G on the coding strand, the complement: FBN1 is on the minus strand). VCF-style: chr15-48644723-A-C. GRCh37 (hg19) VCF-style: chr15-48936920-A-C.
Other names: short protein forms L16R.
Identifiers: ClinVar variation 495614 (VCV000495614.1), dbSNP rs1555407424, ClinGen allele CA392453850.

ClinVar aggregate classification (germline): Uncertain significance (1 of 4 stars; one submission).

Submission:

Women's Health and Genetics/Laboratory Corporation of America, LabCorp
Classification: Uncertain significance. Last evaluated: 2016-06-24. Review status: criteria provided, single submitter. Criteria: LabCorp Variant Classification Summary - May 2015. Collection method: clinical testing. Allele origin: germline.
Comment: Variant summary: The FBN1 c.47T>G (p.Leu16Arg) variant causes a missense change involving a conserved nucleotide with 2/4 in silico tools (SNPs&GO not captured here due to low reliability index) predicting a benign outcome, although these predictions have yet to be functionally assessed. The variant of interest was not observed in controls (ExAC, 1000 Gs or ESP), nor has it been reported, to our knowledge, in affected individuals via publications and/or reputable databases/clinical laboratories. In addition, the variant of interest does not create or eliminate a cysteine residue, which cysteines have been shown to play a key role in FBN1 functionality, therefore, the implications of this variant remain uncertain. Hence, the variant of interest has been classified as a "Variant of Uncertain Significance (VUS)," until additional information becomes available.